The following is an entry in ClinVar:

ClinVar aggregate classification (germline): Uncertain significance (1 of 4 stars; one submission).

Allele frequency attached by ClinVar (database versions not stated): ExAC 0.00001.

Submission:

Labcorp Genetics (formerly Invitae), Labcorp
Classification: Uncertain significance. Last evaluated: 2024-02-24. Review status: criteria provided, single submitter. Criteria: Invitae Variant Classification Sherloc (09022015). Collection method: clinical testing. Allele origin: germline.
Comment: This sequence change replaces isoleucine, which is neutral and non-polar, with methionine, which is neutral and non-polar, at codon 910 of the LRP2 protein (p.Ile910Met). This variant is present in population databases (rs769254386, gnomAD 0.0009%). This variant has not been reported in the literature in individuals affected with LRP2-related conditions. ClinVar contains an entry for this variant (Variation ID: 1418945). Advanced modeling of protein sequence and biophysical properties (such as structural, functional, and spatial information, amino acid conservation, physicochemical variation, residue mobility, and thermodynamic stability) performed at Invitae indicates that this missense variant is not expected to disrupt LRP2 protein function with a negative predictive value of 95%. In summary, the available evidence is currently insufficient to determine the role of this variant in disease. Therefore, it has been classified as a Variant of Uncertain Significance.

NM_004525.3(LRP2):c.2730A>G (p.Ile910Met)

Gene: LRP2 (LDL receptor related protein 2; minus strand). Cytogenetic location: 2q31.1.
Variant type: single nucleotide variant.
Coding change: c.2730A>G on transcript NM_004525.3 (MANE Select); coding-DNA position 2730, A replaced by G.
Protein change: p.Ile910Met; replaces isoleucine 910 with methionine.
Molecular consequence: missense variant.
Genome position (GRCh38, 1-based): chr2:169,256,146, T>C on the plus strand (A>G on the coding strand, the complement: LRP2 is on the minus strand). VCF-style: chr2-169256146-T-C. GRCh37 (hg19) VCF-style: chr2-170112656-T-C.
Other names: short protein forms I910M.
Identifiers: ClinVar variation 1418945 (VCV001418945.8), dbSNP rs769254386, ClinGen allele CA1955223.
Genomic context (GRCh38, chr2:169,256,146, plus strand): 5'-TTTATTGCTTTAAAACATACCTCCAAAGATGGCAAGTCCAAACGGATGTGTCATCTGCTC[T>C]ATATGGCCCAGTCTTCTTCTGTCTAAACCATCAAAGGTGCTGTGCTCAATTTTATCAAAA-3'
Protein context (NP_004516.2, residues 900-920): DGLDRRRLGH[Ile910Met]EQMTHPFGLA